The following is an entry in ClinVar:

NM_001122630.2(CDKN1C):c.787+6C>T

Gene: CDKN1C (cyclin dependent kinase inhibitor 1C; minus strand). Cytogenetic location: 11p15.4.
Variant type: single nucleotide variant.
Coding change: c.787+6C>T on transcript NM_001122630.2 (MANE Select); 6 bases into the intron after coding-DNA position 787, C replaced by T.
Molecular consequence: intron variant.
Genome position (GRCh38, 1-based): chr11:2,884,664, G>A on the plus strand (C>T on the coding strand, the complement: CDKN1C is on the minus strand). VCF-style: chr11-2884664-G-A. GRCh37 (hg19) VCF-style: chr11-2905894-G-A.
Other names: c.820+6C>T (LRG_533t1, NM_000076.2, NM_001362474.2); c.256-530C>T (NM_001362475.2); c.787+6C>T (NM_001122631.2).
Identifiers: ClinVar variation 572465 (VCV000572465.8), dbSNP rs1564929236, ClinGen allele CA891842858.
Genomic context (GRCh38, chr11:2,884,664, plus strand): 5'-GGGGGGACCGGCCGGCCGGACAAAGCGGGGCCGGGCCGGGCCGGGGCGGGGCCGTGCGGG[G>A]CTCACCGGAGATCAGAGGCCCGGACAGCTTCTTGATCGCCGCGCCGTTGGCGCTGGCGGC-3'

ClinVar aggregate classification (germline): Uncertain significance (1 of 4 stars; one submission).

Conditions:
Beckwith-Wiedemann syndrome (BWS). Also called: EMG SYNDROME; Exomphalos macroglossia gigantism syndrome. Identifiers: Orphanet 116, MedGen C0004903, MONDO:0007534, OMIM 130650.

Submission:

Labcorp Genetics (formerly Invitae), Labcorp
Classification: Uncertain significance for Beckwith-Wiedemann syndrome. Last evaluated: 2025-10-30. Review status: criteria provided, single submitter. Criteria: Invitae Variant Classification Sherloc (09022015). Collection method: clinical testing. Allele origin: germline.
Comment: This sequence change falls in intron 1 of the CDKN1C gene. It does not directly change the encoded amino acid sequence of the CDKN1C protein. It affects a nucleotide within the consensus splice site. This variant is not present in population databases (gnomAD no frequency). This variant has not been reported in the literature in individuals affected with CDKN1C-related conditions. ClinVar contains an entry for this variant (Variation ID: 572465). Variants that disrupt the consensus splice site are a relatively common cause of aberrant splicing (PMID: 17576681, 9536098). RNA analysis provides insufficient evidence to determine the effect of this variant on CDKN1C splicing (internal data). In summary, the available evidence is currently insufficient to determine the role of this variant in disease. Therefore, it has been classified as a Variant of Uncertain Significance.

Literature cited by the submitters: PubMed 17576681; PubMed 9536098.